The following is an entry in ClinVar:

NM_001243279.3(ACSF3):c.1501+1G>T

Gene: ACSF3 (acyl-CoA synthetase family member 3; plus strand). Cytogenetic location: 16q24.3.
Variant type: single nucleotide variant.
Coding change: c.1501+1G>T on transcript NM_001243279.3 (MANE Select); the canonical splice donor site of the intron after coding-DNA position 1501, G replaced by T.
Molecular consequence: splice donor variant.
Genome position (GRCh38, 1-based): chr16:89,145,402, G>T. VCF-style: chr16-89145402-G-T. GRCh37 (hg19) VCF-style: chr16-89211810-G-T.
Other names: c.1501+1G>T (NM_001127214.4, NM_174917.5); c.706+1G>T (NM_001284316.2).
Identifiers: ClinVar variation 1905197 (VCV001905197.7), dbSNP rs904050143, ClinGen allele CA286495978.

ClinVar aggregate classification (germline): Likely pathogenic. Review status: criteria provided, multiple submitters, no conflicts (2 of 4 stars). 2 submissions from 2 submitters: Likely pathogenic (2). Last evaluated 2024-02-17.

Conditions:
Combined malonic and methylmalonic acidemia. Identifiers: Orphanet 289504, MedGen C3280314, MONDO:0013661, OMIM 614265.

Allele frequency attached by ClinVar (database versions not stated): gnomAD 0.00001; TOPMed 0.00002.
gnomAD v4.1: 1 of 1,613,950 alleles (0.000062%); highest among the groups gnomAD compares: African/African-American, 0.0013%; no homozygotes.

Submissions (2):

Baylor Genetics
Classification: Likely pathogenic for Combined malonic and methylmalonic acidemia. Last evaluated: 2024-02-17. Review status: criteria provided, single submitter. Criteria: ACMG Guidelines, 2015. Collection method: clinical testing. Allele origin: unknown.

Labcorp Genetics (formerly Invitae), Labcorp
Classification: Likely pathogenic for Combined malonic and methylmalonic acidemia. Last evaluated: 2022-03-18. Review status: criteria provided, single submitter. Criteria: Invitae Variant Classification Sherloc (09022015). Collection method: clinical testing. Allele origin: germline.
Comment: In summary, the currently available evidence indicates that the variant is pathogenic, but additional data are needed to prove that conclusively. Therefore, this variant has been classified as Likely Pathogenic. Algorithms developed to predict the effect of sequence changes on RNA splicing suggest that this variant may disrupt the consensus splice site. This variant has not been reported in the literature in individuals affected with ACSF3-related conditions. This variant is not present in population databases (gnomAD no frequency). This sequence change affects a donor splice site in intron 9 of the ACSF3 gene. It is expected to disrupt RNA splicing. Variants that disrupt the donor or acceptor splice site typically lead to a loss of protein function (PMID: 16199547), and loss-of-function variants in ACSF3 are known to be pathogenic (PMID: 21841779, 26827111).

Literature cited by the submitters: PubMed 16199547 (cited by Labcorp Genetics (formerly Invitae), Labcorp); PubMed 21841779 (cited by Labcorp Genetics (formerly Invitae), Labcorp); PubMed 26827111 (cited by Labcorp Genetics (formerly Invitae), Labcorp).